The following is an entry in ClinVar:

ClinVar aggregate classification (germline): Uncertain significance (1 of 4 stars; one submission).

Submission:

GeneDx
Classification: Uncertain significance. Last evaluated: 2026-02-20. Review status: criteria provided, single submitter. Criteria: GeneDx Variant Classification Process June 2021. Collection method: clinical testing. Allele origin: germline.
Comment: Not observed at significant frequency in large population cohorts (gnomAD); In silico analysis supports that this missense variant has a deleterious effect on protein structure/function; Has not been previously published as pathogenic or benign to our knowledge

NM_001083962.2(TCF4):c.442T>C (p.Tyr148His)

Gene: TCF4 (transcription factor 4; minus strand). Cytogenetic location: 18q21.2.
Variant type: single nucleotide variant.
Coding change: c.442T>C on transcript NM_001083962.2 (MANE Select); coding-DNA position 442, T replaced by C.
Protein change: p.Tyr148His; replaces tyrosine 148 with histidine.
Molecular consequence: missense variant.
Genome position (GRCh38, 1-based): chr18:55,350,931, A>G on the plus strand (T>C on the coding strand, the complement: TCF4 is on the minus strand). VCF-style: chr18-55350931-A-G. GRCh37 (hg19) VCF-style: chr18-53018162-A-G.
Other names: c.748T>C, p.Tyr250His (NM_001243226.3); c.370T>C, p.Tyr124His (NM_001243227.2, NM_001306207.1, NM_001348217.1 and 9 more transcripts); c.442T>C, p.Tyr148His (NM_001243228.2, NM_001330604.3, NM_001369567.1 and 5 more transcripts); c.436T>C, p.Tyr146His (NM_001243230.2); c.316T>C, p.Tyr106His (NM_001243231.2, NM_001348211.2); c.229T>C, p.Tyr77His (NM_001243232.1, NM_001306208.1); c.52T>C, p.Tyr18His (NM_001243233.2, NM_001330605.3, NM_001348212.2 and 1 more transcripts); c.367T>C, p.Tyr123His (NM_001348220.1, NM_001369576.1, NM_001369578.1 and 3 more transcripts); and 1 more; short protein forms Y106H, Y123H, Y148H, Y146H, Y147H, Y18H, Y250H, Y77H.
Identifiers: ClinVar variation 5009829 (VCV005009829.1).